The following is an entry in ClinVar:

ClinVar aggregate classification (germline): Uncertain significance. Review status: criteria provided, multiple submitters, no conflicts (2 of 4 stars). 2 submissions from 2 submitters: Uncertain significance (2). Last evaluated 2024-06-15.

Conditions:
Jeune thoracic dystrophy. Also called: Jeune syndrome; Infantile thoracic dystrophy; Thoracic pelvic phalangeal dystrophy; Jeune's syndrome; Chondroectodermal dysplasia-like syndrome; Short-rib thoracic dysplasia. Identifiers: Orphanet 474, MedGen C0265275, MONDO:0018770.
Asphyxiating thoracic dystrophy 2 (SRTD2). Also called: SHORT-RIB THORACIC DYSPLASIA 2 WITH OR WITHOUT POLYDACTYLY; SHORT-RIB THORACIC DYSPLASIA 2 WITH POLYDACTYLY; SHORT-RIB THORACIC DYSPLASIA 2 WITHOUT POLYDACTYLY. Identifiers: Orphanet 474, MedGen C1970005, MONDO:0012644, OMIM 611263.

Submissions (2):

Fulgent Genetics
Classification: Uncertain significance for Asphyxiating thoracic dystrophy 2. Last evaluated: 2024-06-15. Review status: criteria provided, single submitter. Criteria: ACMG Guidelines, 2015. Collection method: clinical testing. Allele origin: germline.

Labcorp Genetics (formerly Invitae), Labcorp
Classification: Uncertain significance for Jeune thoracic dystrophy. Last evaluated: 2022-11-29. Review status: criteria provided, single submitter. Criteria: Invitae Variant Classification Sherloc (09022015). Collection method: clinical testing. Allele origin: germline.
Comment: Information on the frequency of this variant in the gnomAD database is not available, as this variant may be reported differently in the database. In summary, the available evidence is currently insufficient to determine the role of this variant in disease. Therefore, it has been classified as a Variant of Uncertain Significance. Algorithms developed to predict the effect of missense changes on protein structure and function are either unavailable or do not agree on the potential impact of this missense change (SIFT: "Not Available"; PolyPhen-2: "Possibly Damaging"; Align-GVGD: "Not Available"). This variant has not been reported in the literature in individuals affected with IFT80-related conditions. This variant, c.239_250delinsGGGTTT, is a complex sequence change that results in the deletion of 5 and insertion of 3 amino acid(s) in the IFT80 protein (p.Phe80_Ser84delinsTrpValCys).

NM_020800.3(IFT80):c.239_250delinsGGGTTT (p.Phe80_Ser84delinsTrpValCys)

Genes: IFT80 (intraflagellar transport 80; minus strand), TRIM59-IFT80 (TRIM59-IFT80 readthrough (NMD candidate); minus strand). Cytogenetic location: 3q25.33.
Variant type: Indel.
Coding change: c.239_250delinsGGGTTT on transcript NM_020800.3 (MANE Select); coding-DNA positions 239 to 250, TTGTCCTCACAA replaced by GGGTTT.
Protein change: p.Phe80_Ser84delinsTrpValCys.
Molecular consequence: inframe indel. On other transcripts: non-coding transcript variant (2), 5 prime UTR variant (2).
Genome position (GRCh38, 1-based): chr3:160,381,512-160,381,523, TTGTGAGGACAA replaced by AAACCC on the plus strand (TTGTCCTCACAA replaced by GGGTTT on the coding strand, the reverse complement: IFT80 is on the minus strand). VCF-style: chr3-160381512-TTGTGAGGACAA-AAACCC. GRCh37 (hg19) VCF-style: chr3-160099300-TTGTGAGGACAA-AAACCC.
Other names: c.-173_-162delinsGGGTTT (NM_001190241.2, NM_001190242.2).
Identifiers: ClinVar variation 966898 (VCV000966898.5), dbSNP rs1712517309, ClinGen allele CA1139658325.